The following is an entry in ClinVar:

NM_002692.4(POLE2):c.252C>A (p.His84Gln)

Gene: POLE2 (DNA polymerase epsilon 2, accessory subunit; minus strand). Cytogenetic location: 14q21.3.
Variant type: single nucleotide variant.
Coding change: c.252C>A on transcript NM_002692.4 (MANE Select); coding-DNA position 252, C replaced by A.
Protein change: p.His84Gln; replaces histidine 84 with glutamine.
Molecular consequence: missense variant. On other transcripts: intron variant (1).
Genome position (GRCh38, 1-based): chr14:49,674,421, G>T on the plus strand (C>A on the coding strand, the complement: POLE2 is on the minus strand). VCF-style: chr14-49674421-G-T. GRCh37 (hg19) VCF-style: chr14-50141139-G-T.
Other names: c.252C>A, p.His84Gln (NM_001197331.3, NM_001348384.2); c.21C>A, p.His7Gln (NM_001348385.2); c.246-205C>A (NM_001197330.2); short protein forms H84Q, H7Q.
Identifiers: ClinVar variation 1354914 (VCV001354914.8), dbSNP rs757794783, ClinGen allele CA7173677.

ClinVar aggregate classification (germline): Uncertain significance (1 of 4 stars; one submission).

Allele frequency attached by ClinVar (database versions not stated): gnomAD 0.00003; TOPMed 0.00006.
gnomAD v4.1: 31 of 1,603,536 alleles (0.0019%); highest among the groups gnomAD compares: East Asian, 0.06%; no homozygotes.

Submission:

Labcorp Genetics (formerly Invitae), Labcorp
Classification: Uncertain significance. Last evaluated: 2024-04-14. Review status: criteria provided, single submitter. Criteria: Invitae Variant Classification Sherloc (09022015). Collection method: clinical testing. Allele origin: germline.
Comment: This sequence change replaces histidine, which is basic and polar, with glutamine, which is neutral and polar, at codon 84 of the POLE2 protein (p.His84Gln). This variant is present in population databases (rs757794783, gnomAD 0.2%), and has an allele count higher than expected for a pathogenic variant. This variant has not been reported in the literature in individuals affected with POLE2-related conditions. ClinVar contains an entry for this variant (Variation ID: 1354914). An algorithm developed to predict the effect of missense changes on protein structure and function (PolyPhen-2) suggests that this variant is likely to be tolerated. In summary, the available evidence is currently insufficient to determine the role of this variant in disease. Therefore, it has been classified as a Variant of Uncertain Significance.